The following is an entry in ClinVar:

ClinVar aggregate classification (germline): Likely benign. Review status: criteria provided, multiple submitters, no conflicts (2 of 4 stars). 3 submissions from 3 submitters: Likely benign (2). 1 of the submissions does not count toward it. Last evaluated 2025-12-21.

Conditions:
NPC1-related disorder. Also called: NPC1-related condition.
Niemann-Pick disease, type C1. Also called: NEUROVISCERAL STORAGE DISEASE WITH VERTICAL SUPRANUCLEAR OPHTHALMOPLEGIA; NIEMANN-PICK DISEASE WITH CHOLESTEROL ESTERIFICATION BLOCK; NIEMANN-PICK DISEASE WITHOUT SPHINGOMYELINASE DEFICIENCY; NIEMANN-PICK DISEASE, CHRONIC NEURONOPATHIC FORM; NIEMANN-PICK DISEASE, VARIANT TYPE C1. Identifiers: Orphanet 646, MedGen C3179455, MONDO:0009757, OMIM 257220.

Allele frequency attached by ClinVar (database versions not stated): TOPMed 0.00001; ExAC 0.00002; gnomAD 0.00002; gnomAD exomes 0.00002; ESP Exome Variant Server 0.00008.
gnomAD v4.1: 35 of 1,613,920 alleles (0.0022%); highest among the groups gnomAD compares: South Asian, 0.0055%; no homozygotes.

Submissions (3):

Labcorp Genetics (formerly Invitae), Labcorp
Classification: Likely benign for Niemann-Pick disease, type C1. Last evaluated: 2025-12-21. Review status: criteria provided, single submitter. Criteria: Invitae Variant Classification Sherloc (09022015). Collection method: clinical testing. Allele origin: germline.

Blueprint Genetics
Classification: Likely benign. Last evaluated: 2024-02-12. Review status: criteria provided, single submitter. Criteria: ACMG Guidelines, 2015. Collection method: clinical testing. Allele origin: germline.

PreventionGenetics, part of Exact Sciences
Classification: Likely benign for NPC1-related condition. Last evaluated: 2021-03-10. Review status: no assertion criteria provided. Collection method: clinical testing. Allele origin: germline. Not counted in ClinVar's aggregate classification.
Comment: This variant is classified as likely benign based on ACMG/AMP sequence variant interpretation guidelines (Richards et al. 2015 PMID: 25741868, with internal and published modifications).

NM_000271.5(NPC1):c.3288C>T (p.Asp1096=)

Gene: NPC1 (NPC intracellular cholesterol transporter 1; minus strand). Cytogenetic location: 18q11.2.
Variant type: single nucleotide variant.
Coding change: c.3288C>T on transcript NM_000271.5 (MANE Select); coding-DNA position 3288, C replaced by T.
Protein change: p.Asp1096=; no amino-acid change (aspartic acid 1096 retained).
Molecular consequence: synonymous variant.
Genome position (GRCh38, 1-based): chr18:23,535,658, G>A on the plus strand (C>T on the coding strand, the complement: NPC1 is on the minus strand). VCF-style: chr18-23535658-G-A. GRCh37 (hg19) VCF-style: chr18-21115622-G-A.
Other names: c.3288C>T (NM_000271.4).
Identifiers: ClinVar variation 1113166 (VCV001113166.12), dbSNP rs371093388, ClinGen allele CA8912806.